The following is an entry in ClinVar:

NM_014714.4(IFT140):c.1513C>T (p.Arg505Ter)

Genes: IFT140 (intraflagellar transport 140; minus strand), LOC105371046 (uncharacterized LOC105371046; plus strand). Cytogenetic location: 16p13.3.
Variant type: single nucleotide variant.
Coding change: c.1513C>T on transcript NM_014714.4 (MANE Select); coding-DNA position 1513, C replaced by T.
Protein change: p.Arg505Ter; replaces arginine 505 with a stop codon.
Molecular consequence: nonsense.
Genome position (GRCh38, 1-based): chr16:1,580,770, G>A on the plus strand (C>T on the coding strand, the complement: IFT140 is on the minus strand). VCF-style: chr16-1580770-G-A. GRCh37 (hg19) VCF-style: chr16-1630771-G-A.
Other names: c.1513C>T (NM_014714.3); short protein forms R505*.
Identifiers: ClinVar variation 1459143 (VCV001459143.37), dbSNP rs1257804746, ClinGen allele CA394211800.

ClinVar aggregate classification (germline): Pathogenic/Likely pathogenic. Review status: criteria provided, multiple submitters, no conflicts (2 of 4 stars). 6 submissions from 6 submitters: Pathogenic (4); Likely pathogenic (2). Last evaluated 2025-11-24.

Conditions:
IFT140-related disorder. Also called: IFT140-related condition.
Retinitis pigmentosa 80 (RP80). Identifiers: MedGen C4540439, MONDO:0054708, OMIM 617781.
IFT140-related disorders.
Saldino-Mainzer syndrome (SRTD9). Also called: CONORENAL SYNDROME; short-rib thoracic dysplasia 9 with or without polydactyly; Renal dysplasia, retinal pigmentary dystrophy, cerebellar ataxia and skeletal dysplasia; SHORT-RIB THORACIC DYSPLASIA 9 WITHOUT POLYDACTYLY. Identifiers: Orphanet 140969, MedGen C1849437, MONDO:0009964, OMIM 266920.

Allele frequency attached by ClinVar (database versions not stated): gnomAD exomes 0.00001 and 0.00002; TOPMed 0.00002; gnomAD 0.00003 and 0.00004.
gnomAD v4.1: 12 of 1,612,920 alleles (0.00074%); highest among the groups gnomAD compares: Admixed American, 0.012%; no homozygotes.

Submissions (6):

Labcorp Genetics (formerly Invitae), Labcorp
Classification: Pathogenic for Saldino-Mainzer syndrome. Last evaluated: 2025-11-24. Review status: criteria provided, single submitter. Criteria: Invitae Variant Classification Sherloc (09022015). Collection method: clinical testing. Allele origin: germline.
Comment: This sequence change creates a premature translational stop signal (p.Arg505*) in the IFT140 gene. It is expected to result in an absent or disrupted protein product. Loss-of-function variants in IFT140 are known to be pathogenic (PMID: 22503633, 23418020, 24009529, 26216056). This variant is present in population databases (no rsID available, gnomAD 0.01%). This variant has not been reported in the literature in individuals affected with IFT140-related conditions. ClinVar contains an entry for this variant (Variation ID: 1459143). For these reasons, this variant has been classified as Pathogenic.

PreventionGenetics, part of Exact Sciences
Classification: Pathogenic for IFT140-related condition. Last evaluated: 2025-02-25. Review status: criteria provided, single submitter. Criteria: ACMG Guidelines, 2015. Collection method: clinical testing. Allele origin: germline.
Comment: The IFT140 c.1513C>T variant is predicted to result in premature protein termination (p.Arg505*). To our knowledge, this variant has not been reported in individuals with IFT140-related disease. This variant is reported in 0.014% of alleles in individuals of Latino descent in gnomAD. Nonsense variants in IFT140 are expected to be pathogenic. This variant is interpreted as pathogenic.

Fulgent Genetics
Classification: Likely pathogenic for Saldino-Mainzer syndrome; Retinitis pigmentosa 80. Last evaluated: 2024-06-11. Review status: criteria provided, single submitter. Criteria: ACMG Guidelines, 2015. Collection method: clinical testing. Allele origin: germline.

3billion
Classification: Pathogenic for Retinitis pigmentosa 80. Last evaluated: 2024-01-23. Review status: criteria provided, single submitter. Criteria: ACMG Guidelines, 2015. Collection method: clinical testing. Allele origin: germline. Affected: yes.
Comment: The variant is observed at an extremely low frequency in the gnomAD v2.1.1 dataset (total allele frequency: 0.002%). Predicted Consequence/Location: Stop-gained (nonsense): predicted to result in a loss or disruption of normal protein function through nonsense-mediated decay (NMD) or protein truncation. Multiple pathogenic variants are reported downstream of the variant. The variant has been reported at least twice as pathogenic without evidence for the classification (ClinVar ID: VCV001459143 /PMID: 28991257). Therefore, this variant is classified as Pathogenic according to the recommendation of ACMG/AMP guideline.

CeGaT Center for Human Genetics Tuebingen
Classification: Pathogenic. Last evaluated: 2024-01-01. Review status: criteria provided, single submitter. Criteria: CeGaT Center For Human Genetics Tuebingen Variant Classification Criteria Version 2. Collection method: clinical testing. Allele origin: germline. Affected: yes. Observed: 2 variant alleles.
Comment: IFT140: PVS1, PM2

Blueprint Genetics
Classification: Likely pathogenic for IFT140-related disorders. Last evaluated: 2023-11-24. Review status: criteria provided, single submitter. Criteria: ACMG Guidelines, 2015. Collection method: clinical testing. Allele origin: germline. Affected: yes. Observed: 3 variant alleles.

Literature cited by the submitters: PubMed 22503633 (cited by Labcorp Genetics (formerly Invitae), Labcorp); PubMed 23418020 (cited by Labcorp Genetics (formerly Invitae), Labcorp); PubMed 24009529 (cited by Labcorp Genetics (formerly Invitae), Labcorp); PubMed 26216056 (cited by Labcorp Genetics (formerly Invitae), Labcorp); PubMed 28991257 (cited by 3billion).